The following is an entry in ClinVar:

NM_057175.5(NAA15):c.1761G>C (p.Met587Ile)

Gene: NAA15 (N-alpha-acetyltransferase 15, NatA auxiliary subunit; plus strand). Cytogenetic location: 4q31.1.
Variant type: single nucleotide variant.
Coding change: c.1761G>C on transcript NM_057175.5 (MANE Select); coding-DNA position 1761, G replaced by C.
Protein change: p.Met587Ile; replaces methionine 587 with isoleucine.
Molecular consequence: missense variant.
Genome position (GRCh38, 1-based): chr4:139,370,218, G>C. VCF-style: chr4-139370218-G-C. GRCh37 (hg19) VCF-style: chr4-140291372-G-C.
Other names: c.1761G>C, p.Met587Ile (NM_001410842.1); short protein forms M587I.
Identifiers: ClinVar variation 4749565 (VCV004749565.1).

ClinVar aggregate classification (germline): Uncertain significance (1 of 4 stars; one submission).

gnomAD v4.1: 1 of 1,536,676 alleles (0.000065%); highest among the groups gnomAD compares: Non-Finnish European, 0.000087%; no homozygotes.

Submission:

Labcorp Genetics (formerly Invitae), Labcorp
Classification: Uncertain significance. Last evaluated: 2025-04-10. Review status: criteria provided, single submitter. Criteria: Invitae Variant Classification Sherloc (09022015). Collection method: clinical testing. Allele origin: germline.
Comment: This sequence change replaces methionine, which is neutral and non-polar, with isoleucine, which is neutral and non-polar, at codon 587 of the NAA15 protein (p.Met587Ile). This variant is not present in population databases (gnomAD no frequency). This variant has not been reported in the literature in individuals affected with NAA15-related conditions. An algorithm developed to predict the effect of missense changes on protein structure and function (PolyPhen-2) suggests that this variant is likely to be tolerated. In summary, the available evidence is currently insufficient to determine the role of this variant in disease. Therefore, it has been classified as a Variant of Uncertain Significance.